The following is an entry in ClinVar:

ClinVar aggregate classification (germline): Pathogenic (1 of 4 stars; one submission).

Conditions:
Mucopolysaccharidosis, MPS-II (MPS2). Also called: Hunter Syndrome; IDURONATE 2-SULFATASE DEFICIENCY; Mucopolysaccharidosis Type II; Mucopolysaccharidosis type 2; Attenuated MPS (subtype; formerly known as mild MPS II); Severe MPS II. Identifiers: Orphanet 580, Orphanet 79388, MedGen C0026705, MONDO:0010674, OMIM 309900.

Submission:

Laboratory of Diagnosis and Therapy of Lysosomal Disorders, University of Padova
Classification: Pathogenic for Mucopolysaccharidosis, MPS-II. Last evaluated: 2024-06-07. Review status: criteria provided, single submitter. Criteria: ACMG Guidelines, 2015. Collection method: literature only. Allele origin: germline. Affected: yes. Observed: 6 variant alleles.
Comment: Prevalence of the variant significantly increased in affected individuals compared with controls (PS4_Supporting), Absent from controls (or at low frequency) in gnomAD database (PM2_Moderate), Missense change at the same amino acid residue as a pathogenic variant (PM5_Moderate), Missense variant in a gene with a low rate of benign missense variation (PP2_Supporting), Multiple lines of computational evidence support a deleterious effect (PP3_Supporting), Patient’s phenotype or family history highly specific for the disease (PP4_Strong)

Classification method: ACMG Guidelines [PMID:25741868] with modifications

Literature cited by the submitters: PubMed 33960103; PubMed 16133661; PubMed 18500569; PubMed 27146977; PubMed 36945845.

NM_000202.8(IDS):c.418G>A (p.Gly140Arg)

Gene: IDS (iduronate 2-sulfatase; minus strand). Cytogenetic location: Xq28.
Variant type: single nucleotide variant.
Coding change: c.418G>A on transcript NM_000202.8 (MANE Select); coding-DNA position 418, G replaced by A.
Protein change: p.Gly140Arg; replaces glycine 140 with arginine.
Molecular consequence: missense variant. On other transcripts: non-coding transcript variant (1).
Genome position (GRCh38, 1-based): chrX:149,503,312, C>T on the plus strand (G>A on the coding strand, the complement: IDS is on the minus strand). VCF-style: chrX-149503312-C-T. GRCh37 (hg19) VCF-style: chrX-148584842-C-T.
Other names: c.148G>A, p.Gly50Arg (NM_001166550.4); c.418G>A, p.Gly140Arg (NM_006123.5); short protein forms G140R, G50R.
Identifiers: ClinVar variation 3255711 (VCV003255711.2).